The following is an entry in ClinVar:

ClinVar aggregate classification (germline): Uncertain significance. Review status: criteria provided, multiple submitters, no conflicts (2 of 4 stars). 3 submissions from 3 submitters: Uncertain significance (3). Last evaluated 2024-10-30.

Conditions:
Bernard Soulier syndrome (BSS). Also called: BLEEDING DISORDER, PLATELET-TYPE, 1; VON WILLEBRAND FACTOR RECEPTOR DEFICIENCY; Giant platelet syndrome; Hemorrhagiparous thrombocytic dystrophy; Giant platelet disease; Platelet Glycoprotein 1b, Deficiency of. Identifiers: Orphanet 274, MedGen C0005129, MeSH D001606, MONDO:0009276, OMIM 231200.
GP9-related disorder. Also called: GP9-related condition.

Allele frequency attached by ClinVar (database versions not stated): gnomAD 0.00008 and 0.00009; TOPMed 0.00011; ExAC 0.00013; gnomAD exomes 0.00013.
gnomAD v4.1: 112 of 1,612,624 alleles (0.0069%); highest among the groups gnomAD compares: Middle Eastern, 0.033%; no homozygotes.

Submissions (3):

PreventionGenetics, part of Exact Sciences
Classification: Uncertain significance for GP9-related condition. Last evaluated: 2024-10-30. Review status: criteria provided, single submitter. Criteria: ACMG Guidelines, 2015. Collection method: clinical testing. Allele origin: germline.
Comment: The GP9 c.131C>T variant is predicted to result in the amino acid substitution p.Thr44Met. To our knowledge, this variant has not been reported in the literature. This variant is reported in 0.11% of alleles in individuals of Ashkenazi Jewish descent in gnomAD. At this time, the clinical significance of this variant is uncertain due to the absence of conclusive functional and genetic evidence.

Labcorp Genetics (formerly Invitae), Labcorp
Classification: Uncertain significance. Last evaluated: 2022-07-03. Review status: criteria provided, single submitter. Criteria: Invitae Variant Classification Sherloc (09022015). Collection method: clinical testing. Allele origin: germline.
Comment: This sequence change replaces threonine, which is neutral and polar, with methionine, which is neutral and non-polar, at codon 44 of the GP9 protein (p.Thr44Met). This variant is present in population databases (rs750293970, gnomAD 0.1%). This variant has not been reported in the literature in individuals affected with GP9-related conditions. ClinVar contains an entry for this variant (Variation ID: 902702). Algorithms developed to predict the effect of missense changes on protein structure and function are either unavailable or do not agree on the potential impact of this missense change (SIFT: "Deleterious"; PolyPhen-2: "Possibly Damaging"; Align-GVGD: "Class C0"). In summary, the available evidence is currently insufficient to determine the role of this variant in disease. Therefore, it has been classified as a Variant of Uncertain Significance.

Illumina Laboratory Services, Illumina
Classification: Uncertain significance for Bernard Soulier syndrome. Last evaluated: 2018-01-13. Review status: criteria provided, single submitter. Criteria: ICSL Variant Classification Criteria 13 December 2019. Collection method: clinical testing. Allele origin: germline.

NM_000174.5(GP9):c.131C>T (p.Thr44Met)

Gene: GP9 (glycoprotein IX platelet; plus strand). Cytogenetic location: 3q21.3.
Variant type: single nucleotide variant.
Coding change: c.131C>T on transcript NM_000174.5 (MANE Select); coding-DNA position 131, C replaced by T.
Protein change: p.Thr44Met; replaces threonine 44 with methionine.
Molecular consequence: missense variant.
Genome position (GRCh38, 1-based): chr3:129,061,870, C>T. VCF-style: chr3-129061870-C-T. GRCh37 (hg19) VCF-style: chr3-128780713-C-T.
Other names: c.131C>T (NM_000174.4); short protein forms T44M.
Identifiers: ClinVar variation 902702 (VCV000902702.6), dbSNP rs750293970, ClinGen allele CA2602638.